The following is an entry in ClinVar:

ClinVar aggregate classification (germline): Pathogenic (1 of 4 stars; one submission).

Submission:

Labcorp Genetics (formerly Invitae), Labcorp
Classification: Pathogenic. Last evaluated: 2022-11-15. Review status: criteria provided, single submitter. Criteria: Invitae Variant Classification Sherloc (09022015). Collection method: clinical testing. Allele origin: germline.
Comment: For these reasons, this variant has been classified as Pathogenic. This variant has not been reported in the literature in individuals affected with RS1-related conditions. This variant is not present in population databases (gnomAD no frequency). This sequence change creates a premature translational stop signal (p.Ile60Thrfs*25) in the RS1 gene. It is expected to result in an absent or disrupted protein product. Loss-of-function variants in RS1 are known to be pathogenic (PMID: 9618178, 17172462).

Literature cited by the submitters: PubMed 9618178; PubMed 17172462.

NM_000330.4(RS1):c.179_180del (p.Ile60fs)

Gene: RS1 (retinoschisin 1; minus strand). Cytogenetic location: Xp22.13.
Variant type: Microsatellite.
Coding change: c.179_180del on transcript NM_000330.4 (MANE Select); coding-DNA positions 179 to 180, 2 bases deleted (TA; older notation c.179_180delTA).
Protein change: p.Ile60fs; shifts the reading frame from isoleucine 60.
Molecular consequence: frameshift variant.
Genome position (GRCh38, 1-based): chrX:18,656,657-18,656,658, TA deleted on the plus strand (TA on the coding strand, the reverse complement: RS1 is on the minus strand); deleting any 2 consecutive bases within chrX:18,656,657-18,656,660 gives the same sequence; the c. name uses the placement nearest the transcript's 3' end. VCF-style (leftmost placement, unchanged base first): chrX-18656656-GTA-G. GRCh37 (hg19) VCF-style: chrX-18674776-GTA-G.
Other names: short protein forms I60fs.
Identifiers: ClinVar variation 1456120 (VCV001456120.6), dbSNP rs2147203054, ClinGen allele CA2580615396.